The following is an entry in ClinVar:

ClinVar aggregate classification (germline): Uncertain significance. Review status: criteria provided, multiple submitters, no conflicts (2 of 4 stars). 2 submissions from 2 submitters: Uncertain significance (2). Last evaluated 2024-09-09.

Conditions:
Inborn genetic diseases. Identifiers: MedGen C0950123, MeSH D030342.

Allele frequency attached by ClinVar (database versions not stated): ExAC 0.00002; gnomAD exomes 0.00002; TOPMed 0.00002.
gnomAD v4.1: 10 of 1,605,708 alleles (0.00062%); highest among the groups gnomAD compares: Admixed American, 0.01%; no homozygotes.

Submissions (2):

Labcorp Genetics (formerly Invitae), Labcorp
Classification: Uncertain significance. Last evaluated: 2024-09-09. Review status: criteria provided, single submitter. Criteria: Invitae Variant Classification Sherloc (09022015). Collection method: clinical testing. Allele origin: germline.
Comment: This sequence change replaces alanine, which is neutral and non-polar, with valine, which is neutral and non-polar, at codon 1313 of the LRRK1 protein (p.Ala1313Val). This variant is present in population databases (rs761740855, gnomAD 0.01%). This variant has not been reported in the literature in individuals affected with LRRK1-related conditions. ClinVar contains an entry for this variant (Variation ID: 1500458). An algorithm developed to predict the effect of missense changes on protein structure and function (PolyPhen-2) suggests that this variant is likely to be tolerated. In summary, the available evidence is currently insufficient to determine the role of this variant in disease. Therefore, it has been classified as a Variant of Uncertain Significance.

Ambry Genetics
Classification: Uncertain significance for Inborn genetic diseases. Last evaluated: 2024-06-17. Review status: criteria provided, single submitter. Criteria: Ambry Variant Classification Scheme 2023. Collection method: clinical testing. Allele origin: germline.

NM_024652.6(LRRK1):c.3938C>T (p.Ala1313Val)

Genes: LRRK1 (leucine rich repeat kinase 1; plus strand), LRRK1-AS1 (LRRK1 antisense RNA 1; minus strand). Cytogenetic location: 15q26.3.
Variant type: single nucleotide variant.
Coding change: c.3938C>T on transcript NM_024652.6 (MANE Select); coding-DNA position 3938, C replaced by T.
Protein change: p.Ala1313Val; replaces alanine 1313 with valine.
Molecular consequence: missense variant.
Genome position (GRCh38, 1-based): chr15:101,053,304, C>T. VCF-style: chr15-101053304-C-T. GRCh37 (hg19) VCF-style: chr15-101593509-C-T.
Other names: c.3938C>T (NM_024652.3); short protein forms A1313V.
Identifiers: ClinVar variation 1500458 (VCV001500458.9), dbSNP rs761740855, ClinGen allele CA7761694.
Genomic context (GRCh38, chr15:101,053,304, plus strand): 5'-GGGCCACCGATGCCATGAAGAACTTCTCCGAGTTCCGGCAGGAGGCCAGCATGCTGCACG[C>T]GCTGCAGCACCCCTGCATCGTGGCGCTCATCGGCATCAGCATCCACCCGCTCTGCTTCGC-3'
Protein context (NP_078928.3, residues 1303-1323): EFRQEASMLH[Ala1313Val]LQHPCIVALI